The following is an entry in ClinVar:

ClinVar aggregate classification (germline): Uncertain significance (1 of 4 stars; one submission).

Submission:

Ambry Genetics
Classification: Uncertain significance. Last evaluated: 2024-05-25. Review status: criteria provided, single submitter. Criteria: Ambry Variant Classification Scheme 2023. Collection method: clinical testing. Allele origin: germline.
Comment: The p.V745A variant (also known as c.2234T>C), located in coding exon 20 of the PRKDC gene, results from a T to C substitution at nucleotide position 2234. The valine at codon 745 is replaced by alanine, an amino acid with similar properties. This amino acid position is conserved. In addition, this alteration is predicted to be tolerated by in silico analysis. Based on the available evidence, the clinical significance of this variant remains unclear.

NM_006904.7(PRKDC):c.2234T>C (p.Val745Ala)

Gene: PRKDC (protein kinase, DNA-activated, catalytic subunit; minus strand). Cytogenetic location: 8q11.21.
Variant type: single nucleotide variant.
Coding change: c.2234T>C on transcript NM_006904.7 (MANE Select); coding-DNA position 2234, T replaced by C.
Protein change: p.Val745Ala; replaces valine 745 with alanine.
Molecular consequence: missense variant.
Genome position (GRCh38, 1-based): chr8:47,927,796, A>G on the plus strand (T>C on the coding strand, the complement: PRKDC is on the minus strand). VCF-style: chr8-47927796-A-G. GRCh37 (hg19) VCF-style: chr8-48840356-A-G.
Other names: c.2234T>C, p.Val745Ala (NM_001081640.2); short protein forms V745A.
Identifiers: ClinVar variation 3310072 (VCV003310072.1).